The following is an entry in ClinVar:

NM_001349253.2(SCN11A):c.201C>T (p.Gly67=)

Gene: SCN11A (sodium voltage-gated channel alpha subunit 11; minus strand). Cytogenetic location: 3p22.2.
Variant type: single nucleotide variant.
Coding change: c.201C>T on transcript NM_001349253.2 (MANE Select); coding-DNA position 201, C replaced by T.
Protein change: p.Gly67=; no amino-acid change (glycine 67 retained).
Molecular consequence: synonymous variant.
Genome position (GRCh38, 1-based): chr3:38,950,162, G>A on the plus strand (C>T on the coding strand, the complement: SCN11A is on the minus strand). VCF-style: chr3-38950162-G-A. GRCh37 (hg19) VCF-style: chr3-38991653-G-A.
Other names: c.201C>T, p.Gly67= (NM_014139.3).
Identifiers: ClinVar variation 541607 (VCV000541607.17), dbSNP rs148264228, ClinGen allele CA2322752.

ClinVar aggregate classification (germline): Benign/Likely benign. Review status: criteria provided, multiple submitters, no conflicts (2 of 4 stars). 3 submissions from 3 submitters: Benign (2); Likely benign (1). Last evaluated 2025-12-23.

Conditions:
Inborn genetic diseases. Identifiers: MedGen C0950123, MeSH D030342.
SCN11A-related disorder. Also called: SCN11A-related condition.
Hereditary sensory and autonomic neuropathy type 7. Also called: Neuropathy, hereditary sensory and autonomic, type VII; HSAN VII. Identifiers: Orphanet 391397, MedGen C3809882, MONDO:0014244, OMIM 615548.
Familial episodic pain syndrome with predominantly lower limb involvement. Also called: Episodic pain syndrome, familial, 3. Identifiers: Orphanet 391384, Orphanet 391392, MedGen C3809899, MONDO:0014247, OMIM 615552.

Allele frequency attached by ClinVar (database versions not stated): gnomAD 0.00156 and 0.00171; TOPMed 0.00156; 1000 Genomes Project 0.00160; gnomAD exomes 0.00033; ExAC 0.00049; 1000 Genomes Project 30x 0.00141; ESP Exome Variant Server 0.00154.
gnomAD v4.1: 463 of 1,610,440 alleles (0.029%); highest among the groups gnomAD compares: African/African-American, 0.55%; 1 homozygote.

Submissions (4):

Labcorp Genetics (formerly Invitae), Labcorp
Classification: Benign for Familial episodic pain syndrome with predominantly lower limb involvement; Hereditary sensory and autonomic neuropathy type 7. Last evaluated: 2025-12-23. Review status: criteria provided, single submitter. Criteria: Invitae Variant Classification Sherloc (09022015). Collection method: clinical testing. Allele origin: germline.

PreventionGenetics, part of Exact Sciences
Classification: Benign for SCN11A-related condition. Last evaluated: 2025-03-06. Review status: criteria provided, single submitter. Criteria: ACMG Guidelines, 2015. Collection method: clinical testing. Allele origin: germline.
Comment: This variant is classified as benign based on ACMG/AMP sequence variant interpretation guidelines (Richards et al. 2015 PMID: 25741868, with internal and published modifications).

Ambry Genetics
Classification: Likely benign for Inborn genetic diseases. Last evaluated: 2019-07-11. Review status: criteria provided, single submitter. Criteria: Ambry Variant Classification Scheme 2023. Collection method: clinical testing. Allele origin: germline.

Dr. Peter K. Rogan Lab, Western University
No classification provided (evidence only). Condition: Uterine corpus endometrial carcinoma. Review status: no classification provided. Collection method: in vitro. Allele origin: not applicable. Functional consequence: retained intron. Not counted in ClinVar's aggregate classification.